The following is an entry in ClinVar:

NM_000138.5(FBN1):c.4815A>G (p.Glu1605=)

Gene: FBN1 (fibrillin 1; minus strand). Cytogenetic location: 15q21.1.
Variant type: single nucleotide variant.
Coding change: c.4815A>G on transcript NM_000138.5 (MANE Select); coding-DNA position 4815, A replaced by G.
Protein change: p.Glu1605=; no amino-acid change (glutamic acid 1605 retained).
Molecular consequence: synonymous variant.
Genome position (GRCh38, 1-based): chr15:48,465,791, T>C on the plus strand (A>G on the coding strand, the complement: FBN1 is on the minus strand). VCF-style: chr15-48465791-T-C. GRCh37 (hg19) VCF-style: chr15-48757988-T-C.
Identifiers: ClinVar variation 222606 (VCV000222606.21), dbSNP rs869025408, ClinGen allele CA353639.

ClinVar aggregate classification (germline): Conflicting classifications of pathogenicity. Review status: criteria provided, conflicting classifications (1 of 4 stars). 2 submissions from 2 submitters: Likely pathogenic (1); Uncertain significance (1). Last evaluated 2021-03-01.

Conditions:
Familial thoracic aortic aneurysm and aortic dissection (TAAD). Also called: Thoracic aortic aneurysms and dissections. Identifiers: Orphanet 91387, MedGen C4707243, MONDO:0019625.
Marfan syndrome (MFS). Also called: MARFAN SYNDROME, TYPE I; FBN1-Related Marfan Syndrome; Marfan syndrome, classic; Marfan syndrome type 1; Marfan's syndrome. Identifiers: Orphanet 284963, Orphanet 558, MedGen C0024796, MONDO:0007947, OMIM 154700.

Submissions (2):

Centre of Medical Genetics, University of Antwerp
Classification: Likely pathogenic for Marfan syndrome. Last evaluated: 2021-03-01. Review status: criteria provided, single submitter. Criteria: Submitter's publication. Collection method: research. Allele origin: unknown. Affected: yes.
Comment: PM2, PS1, PP4

CHEO Genetics Diagnostic Laboratory, Children's Hospital of Eastern Ontario
Classification: Uncertain significance for Familial thoracic aortic aneurysm and aortic dissection. Last evaluated: 2018-07-17. Review status: criteria provided, single submitter. Criteria: ACMG Guidelines, 2015. Collection method: clinical testing. Allele origin: germline.